The following is an entry in ClinVar:

ClinVar aggregate classification (germline): Uncertain significance. Review status: criteria provided, multiple submitters, no conflicts (2 of 4 stars). 3 submissions from 3 submitters: Uncertain significance (3). Last evaluated 2026-04-06.

Conditions:
Inborn genetic diseases. Identifiers: MedGen C0950123, MeSH D030342.
Charcot-Marie-Tooth disease axonal type 2C (HMSN2C). Also called: CHARCOT-MARIE-TOOTH DISEASE, AXONAL, AUTOSOMAL DOMINANT, TYPE 2C; Charcot-Marie-Tooth Neuropathy Type 2C; Charcot-Marie-Tooth Disease Type 2, TRPV4-Related (CMT2C). Identifiers: Orphanet 99937, MedGen C1853710, MONDO:0011633, OMIM 606071.

Submissions (3):

Women's Health and Genetics/Laboratory Corporation of America, LabCorp
Classification: Uncertain significance. Last evaluated: 2026-04-06. Review status: criteria provided, single submitter. Criteria: LabCorp Variant Classification Summary - May 2015. Collection method: clinical testing. Allele origin: germline.
Comment: Variant summary: TRPV4 c.592G>T (p.Ala198Ser) results in a conservative amino acid change in the encoded protein sequence. Algorithms developed to predict the effect of missense changes on protein structure and function are either unavailable or do not agree on the potential impact of this missense change. The variant allele was found at a frequency of 1.6e-05 in 251156 control chromosomes. The available data on variant occurrences in the general population are insufficient to allow any conclusion about variant significance. To our knowledge, no occurrence of c.592G>T in individuals affected with TRPV4-related conditions and no experimental evidence demonstrating its impact on protein function have been reported. ClinVar contains an entry for this variant (Variation ID: 3626372). Based on the evidence outlined above, the variant was classified as uncertain significance.

Ambry Genetics
Classification: Uncertain significance for Inborn genetic diseases. Last evaluated: 2026-03-11. Review status: criteria provided, single submitter. Criteria: Ambry Variant Classification Scheme 2023. Collection method: clinical testing. Allele origin: germline.

Labcorp Genetics (formerly Invitae), Labcorp
Classification: Uncertain significance for Charcot-Marie-Tooth disease axonal type 2C. Last evaluated: 2025-08-20. Review status: criteria provided, single submitter. Criteria: Invitae Variant Classification Sherloc (09022015). Collection method: clinical testing. Allele origin: germline.
Comment: This sequence change replaces alanine, which is neutral and non-polar, with serine, which is neutral and polar, at codon 198 of the TRPV4 protein (p.Ala198Ser). This variant is present in population databases (rs761966856, gnomAD 0.009%). This variant has not been reported in the literature in individuals affected with TRPV4-related conditions. ClinVar contains an entry for this variant (Variation ID: 3626372). Invitae Evidence Modeling of protein sequence and biophysical properties (such as structural, functional, and spatial information, amino acid conservation, physicochemical variation, residue mobility, and thermodynamic stability) has been performed for this missense variant. However, the output from this modeling did not meet the statistical confidence thresholds required to predict the impact of this variant on TRPV4 protein function. In summary, the available evidence is currently insufficient to determine the role of this variant in disease. Therefore, it has been classified as a Variant of Uncertain Significance.

NM_021625.5(TRPV4):c.592G>T (p.Ala198Ser)

Gene: TRPV4 (transient receptor potential cation channel subfamily V member 4; minus strand). Cytogenetic location: 12q24.11.
Variant type: single nucleotide variant.
Coding change: c.592G>T on transcript NM_021625.5 (MANE Select); coding-DNA position 592, G replaced by T.
Protein change: p.Ala198Ser; replaces alanine 198 with serine.
Molecular consequence: missense variant.
Genome position (GRCh38, 1-based): chr12:109,803,111, C>A on the plus strand (G>T on the coding strand, the complement: TRPV4 is on the minus strand). VCF-style: chr12-109803111-C-A. GRCh37 (hg19) VCF-style: chr12-110240916-C-A.
Other names: c.592G>T, p.Ala198Ser (NM_001177428.2, NM_001177433.2, NM_147204.3); c.490G>T, p.Ala164Ser (NM_001177431.2); short protein forms A164S, A198S.
Identifiers: ClinVar variation 3626372 (VCV003626372.4).